The following is an entry in ClinVar:

NM_014915.3(ANKRD26):c.-42G>C

Gene: ANKRD26 (ankyrin repeat domain 26; minus strand). Cytogenetic location: 10p12.1.
Variant type: single nucleotide variant.
Coding change: c.-42G>C on transcript NM_014915.3 (MANE Select); 42 bases upstream of the start codon, G replaced by C.
Molecular consequence: 5 prime UTR variant.
Genome position (GRCh38, 1-based): chr10:27,100,368, C>G on the plus strand (G>C on the coding strand, the complement: ANKRD26 is on the minus strand). VCF-style: chr10-27100368-C-G. GRCh37 (hg19) VCF-style: chr10-27389297-C-G.
Other names: c.-42G>C (NM_001256053.2).
Identifiers: ClinVar variation 3619142 (VCV003619142.2).
Genomic context (GRCh38, chr10:27,100,368, plus strand): 5'-TACTAAAAATCTTCTTCATGGCCCAGGCGACCGGGCTTCAGAGACACCTCATGTCTCTCT[C>G]GGCTCTTAACGGCCTCCGGAGCCCAACATAACAAGTCAGCCCCGGCTGGCCGCAGCCTCC-3'

ClinVar aggregate classification (germline): Uncertain significance (1 of 4 stars; one submission).

gnomAD v4.1: 6 of 1,600,812 alleles (0.00037%); highest among the groups gnomAD compares: Non-Finnish European, 0.00051%; no homozygotes.

Submission:

Labcorp Genetics (formerly Invitae), Labcorp
Classification: Uncertain significance. Last evaluated: 2024-02-19. Review status: criteria provided, single submitter. Criteria: Invitae Variant Classification Sherloc (09022015). Collection method: clinical testing. Allele origin: germline.
Comment: This variant occurs in a non-coding region of the ANKRD26 gene. It does not change the encoded amino acid sequence of the ANKRD26 protein. This variant is not present in population databases (gnomAD no frequency). This variant has not been reported in the literature in individuals affected with ANKRD26-related conditions. In summary, the available evidence is currently insufficient to determine the role of this variant in disease. Therefore, it has been classified as a Variant of Uncertain Significance.